The following is an entry in ClinVar:

ClinVar aggregate classification (germline): Conflicting classifications of pathogenicity. Review status: criteria provided, conflicting classifications (1 of 4 stars). 4 submissions from 4 submitters: Uncertain significance (1); Likely benign (2). 1 of the submissions does not count toward it. Last evaluated 2025-11-06.

Conditions:
Developmental and epileptic encephalopathy, 1 (DEE1). Also called: X-linked infantile spasms; West's syndrome; Tonic spasms with clustering, arrest of psychomotor development and hypsarrhythmia on EEG; X-Linked Infantile Spasm Syndrome; Epileptic encephalopathy, early infantile, 1; OHTAHARA SYNDROME, X-LINKED. Identifiers: MedGen C3463992, MONDO:0010632, OMIM 308350. Disease mechanism: loss of function.
Autosomal dominant nonsyndromic hearing loss 65. Also called: TBC1D24-Related Autosomal Dominant Nonsyndromic Hearing Loss (DFNA); Deafness, autosomal dominant 65. Identifiers: Orphanet 90635, MedGen C3892048, MONDO:0014470, OMIM 616044.
TBC1D24-related disorder. Also called: TBC1D24-related condition; TBC1D24-related disorders. Identifiers: MedGen CN381194.

Allele frequency attached by ClinVar (database versions not stated): gnomAD 0.00004; ExAC 0.00005; gnomAD exomes 0.00005; TOPMed 0.00007.
gnomAD v4.1: 103 of 1,610,578 alleles (0.0064%); highest among the groups gnomAD compares: Middle Eastern, 0.016%; no homozygotes.

Submissions (4):

Labcorp Genetics (formerly Invitae), Labcorp
Classification: Likely benign for Developmental and epileptic encephalopathy, 1; Autosomal dominant nonsyndromic hearing loss 65. Last evaluated: 2025-11-06. Review status: criteria provided, single submitter. Criteria: Invitae Variant Classification Sherloc (09022015). Collection method: clinical testing. Allele origin: germline.

Blueprint Genetics
Classification: Uncertain significance. Last evaluated: 2024-09-09. Review status: criteria provided, single submitter. Criteria: ACMG Guidelines, 2015. Collection method: clinical testing. Allele origin: germline.

Laboratory for Molecular Medicine, Mass General Brigham Personalized Medicine
Classification: Likely benign. Last evaluated: 2015-06-10. Review status: criteria provided, single submitter. Criteria: LMM Criteria. Collection method: clinical testing. Allele origin: germline. Observed: 1 variant allele.
Comment: p.Gly110Gly in exon 2 of TBC1D24: This variant is not expected to have clinical significance because it does not alter an amino acid residue and is not located within the splice consensus sequence. It has been identified in 3/8496 of East A sian chromosomes by the Exome Aggregation Consortium (ExAC). Splicing computational tools predict the possible creation of a nov el splice site, but the accuracy of these tools is unknown. Although a role in d isease cannot be fully excluded, this variant is more likely benign.

PreventionGenetics, part of Exact Sciences
Classification: Likely benign for TBC1D24-related condition. Last evaluated: 2023-07-03. Review status: no assertion criteria provided. Collection method: clinical testing. Allele origin: germline. Not counted in ClinVar's aggregate classification.
Comment: This variant is classified as likely benign based on ACMG/AMP sequence variant interpretation guidelines (Richards et al. 2015 PMID: 25741868, with internal and published modifications).

NM_001199107.2(TBC1D24):c.330C>T (p.Gly110=)

Gene: TBC1D24 (TBC1 domain family member 24; plus strand). Cytogenetic location: 16p13.3.
Variant type: single nucleotide variant.
Coding change: c.330C>T on transcript NM_001199107.2 (MANE Select); coding-DNA position 330, C replaced by T.
Protein change: p.Gly110=; no amino-acid change (glycine 110 retained).
Molecular consequence: synonymous variant.
Genome position (GRCh38, 1-based): chr16:2,496,478, C>T. VCF-style: chr16-2496478-C-T. GRCh37 (hg19) VCF-style: chr16-2546479-C-T.
Other names: c.330C>T, p.Gly110= (NM_020705.3).
Identifiers: ClinVar variation 227983 (VCV000227983.17), dbSNP rs779117497, ClinGen allele CA7843977.